The following is an entry in ClinVar:

ClinVar aggregate classification (germline): Likely benign (1 of 4 stars; one submission).

gnomAD v4.1: 521 of 1,551,644 alleles (0.034%); highest among the groups gnomAD compares: Non-Finnish European, 0.035%; 1 homozygote.

Submission:

CeGaT Center for Human Genetics Tuebingen
Classification: Likely benign. Last evaluated: 2024-08-01. Review status: criteria provided, single submitter. Criteria: CeGaT Center For Human Genetics Tuebingen Variant Classification Criteria Version 2. Collection method: clinical testing. Allele origin: germline. Affected: yes. Observed: 1 variant allele.
Comment: MMEL1: BP4, BP7

NM_033467.4(MMEL1):c.1719G>A (p.Ala573=)

Gene: MMEL1 (membrane metalloendopeptidase like 1; minus strand). Cytogenetic location: 1p36.32.
Variant type: single nucleotide variant.
Coding change: c.1719G>A on transcript NM_033467.4 (MANE Select); coding-DNA position 1719, G replaced by A.
Protein change: p.Ala573=; no amino-acid change (alanine 573 retained).
Molecular consequence: synonymous variant.
Genome position (GRCh38, 1-based): chr1:2,594,413, C>T on the plus strand (G>A on the coding strand, the complement: MMEL1 is on the minus strand). VCF-style: chr1-2594413-C-T. GRCh37 (hg19) VCF-style: chr1-2525852-C-T.
Identifiers: ClinVar variation 3341733 (VCV003341733.16).